The following is an entry in ClinVar:

ClinVar aggregate classification (germline): Uncertain significance (1 of 4 stars; one submission).

Submission:

Mayo Clinic Laboratories, Mayo Clinic
Classification: Uncertain significance. Last evaluated: 2025-10-31. Review status: criteria provided, single submitter. Criteria: ACMG Guidelines, 2015. Collection method: clinical testing. Allele origin: germline. Observed: 1 variant allele.
Comment: BP4_moderate, PM2_supporting

NM_018979.4(WNK1):c.463A>T (p.Thr155Ser)

Gene: WNK1 (WNK lysine deficient protein kinase 1; plus strand). Cytogenetic location: 12p13.33.
Variant type: single nucleotide variant.
Coding change: c.463A>T on transcript NM_018979.4 (MANE Select); coding-DNA position 463, A replaced by T.
Protein change: p.Thr155Ser; replaces threonine 155 with serine.
Molecular consequence: missense variant.
Genome position (GRCh38, 1-based): chr12:754,028, A>T. VCF-style: chr12-754028-A-T. GRCh37 (hg19) VCF-style: chr12-863194-A-T.
Other names: p.Thr155Ser; c.463A>T, p.Thr155Ser (NM_001184985.2, NM_014823.3, NM_213655.5); short protein forms T155S.
Identifiers: ClinVar variation 4541673 (VCV004541673.1).
Genomic context (GRCh38, chr12:754,028, plus strand): 5'-CAGCAGCCTCCAGCCGCTGCCGCCCCTGGGGAACAGGCCGTCGCGGGCCCTGCCCCCTCG[A>T]CTGTCCCCAGCAGTACCAGCAAAGACCGCCCAGTGTCCCAGCCTAGCCTTGTGGGGAGCA-3'
Protein context (NP_061852.3, residues 145-165): EQAVAGPAPS[Thr155Ser]VPSSTSKDRP